The following is an entry in ClinVar:

ClinVar aggregate classification (germline): Uncertain significance (1 of 4 stars; one submission).

gnomAD v4.1: 67 of 1,602,964 alleles (0.0042%); highest among the groups gnomAD compares: East Asian, 0.025%; no homozygotes.

Submission:

Women's Health and Genetics/Laboratory Corporation of America, LabCorp
Classification: Uncertain significance. Last evaluated: 2025-07-08. Review status: criteria provided, single submitter. Criteria: LabCorp Variant Classification Summary - May 2015. Collection method: clinical testing. Allele origin: germline.
Comment: Variant summary: PKD1 c.12817C>T (p.Arg4273Cys) results in a non-conservative amino acid change in the encoded protein sequence. Algorithms developed to predict the effect of missense changes on protein structure and function are either unavailable or do not agree on the potential impact of this missense change. The variant allele was found at a frequency of 5.4e-05 in 222402 control chromosomes. This frequency is not significantly higher than estimated for a pathogenic variant in PKD1 causing PKD1-Biallelic Autosomal Recessive Polycystic Kidney Disease, allowing no conclusion about variant significance. To our knowledge, no occurrence of c.12817C>T in individuals affected with PKD1-Biallelic Autosomal Recessive Polycystic Kidney Disease and no experimental evidence demonstrating its impact on protein function have been reported. No submitters have cited clinical-significance assessments for this variant to ClinVar. Based on the evidence outlined above, the variant was classified as uncertain significance.

NM_001009944.3(PKD1):c.12817C>T (p.Arg4273Cys)

Gene: PKD1 (polycystin 1, transient receptor potential channel interacting; minus strand). Cytogenetic location: 16p13.3.
Variant type: single nucleotide variant.
Coding change: c.12817C>T on transcript NM_001009944.3 (MANE Select); coding-DNA position 12817, C replaced by T.
Protein change: p.Arg4273Cys; replaces arginine 4273 with cysteine.
Molecular consequence: missense variant.
Genome position (GRCh38, 1-based): chr16:2,089,822, G>A on the plus strand (C>T on the coding strand, the complement: PKD1 is on the minus strand). VCF-style: chr16-2089822-G-A. GRCh37 (hg19) VCF-style: chr16-2139823-G-A.
Other names: c.12814C>T, p.Arg4272Cys (NM_000296.4); short protein forms R4273C, R4272C.
Identifiers: ClinVar variation 4526106 (VCV004526106.1).